The following is an entry in ClinVar:

ClinVar aggregate classification (germline): Pathogenic. Review status: reviewed by expert panel (3 of 4 stars). 4 submissions from 4 submitters: Pathogenic (1). 3 of the submissions do not count toward it. Last evaluated 2013-09-05.

Conditions:
Hereditary nonpolyposis colorectal neoplasms. Identifiers: MedGen C0009405, MeSH D003123.
Hereditary cancer-predisposing syndrome. Also called: Hereditary Cancer Syndrome; Hereditary neoplastic syndrome; Neoplastic Syndromes, Hereditary; Tumor predisposition. Identifiers: Orphanet 140162, MedGen C0027672, MeSH D009386, MONDO:0015356.
Lynch syndrome. Identifiers: Orphanet 144, MedGen C4552100, MONDO:0005835. Disease mechanism: loss of function.
Lynch syndrome 5 (LYNCH5). Also called: Hereditary non-polyposis colorectal cancer, type 5; Colorectal cancer, hereditary nonpolyposis, type 5. Identifiers: Orphanet 144, MedGen C1833477, MONDO:0013710, OMIM 614350. Disease mechanism: loss of function.

Submissions (4):

International Society for Gastrointestinal Hereditary Tumours (InSiGHT)
Classification: Pathogenic for Lynch Syndrome. Last evaluated: 2013-09-05. Review status: reviewed by expert panel. Criteria: Guidelines v1.9. Collection method: research. Allele origin: germline.
Comment: Coding sequence variation resulting in a stop codon

Classified with v1.9 guidelines

Ambry Genetics
Classification: Pathogenic for Hereditary cancer-predisposing syndrome. Last evaluated: 2025-12-18. Review status: criteria provided, single submitter. Criteria: Ambry Variant Classification Scheme 2023. Collection method: clinical testing. Allele origin: germline. Not counted in ClinVar's aggregate classification.
Comment: The p.Q731* pathogenic mutation (also known as c.2191C>T), located in coding exon 4 of the MSH6 gene, results from a C to T substitution at nucleotide position 2191. This changes the amino acid from a glutamine to a stop codon within coding exon 4. This variant is considered to be rare based on population cohorts in the Genome Aggregation Database (gnomAD). This alteration is expected to result in loss of function by premature protein truncation or nonsense-mediated mRNA decay. As such, this alteration is interpreted as a disease-causing mutation.

Myriad Genetics, Inc.
Classification: Pathogenic for Lynch syndrome 5. Last evaluated: 2023-08-16. Review status: criteria provided, single submitter. Criteria: Myriad Autosomal Dominant, Autosomal Recessive and X-Linked Classification Criteria (2023). Collection method: clinical testing. Allele origin: unknown. Not counted in ClinVar's aggregate classification.
Comment: This variant is considered pathogenic. This variant creates a termination codon and is predicted to result in premature protein truncation.

Labcorp Genetics (formerly Invitae), Labcorp
Classification: Pathogenic for Hereditary nonpolyposis colorectal neoplasms. Last evaluated: 2019-09-03. Review status: criteria provided, single submitter. Criteria: Invitae Variant Classification Sherloc (09022015). Collection method: clinical testing. Allele origin: germline. Not counted in ClinVar's aggregate classification.
Comment: This variant has been observed in several individuals suspected to have Lynch syndrome (PMID: 10508506, 16736289, 26517685). ClinVar contains an entry for this variant (Variation ID: 89261). For these reasons, this variant has been classified as Pathogenic. Loss-of-function variants in MSH6 are known to be pathogenic (PMID: 18269114, 24362816). This variant is not present in population databases (ExAC no frequency). This sequence change creates a premature translational stop signal (p.Gln731*) in the MSH6 gene. It is expected to result in an absent or disrupted protein product.

Literature cited by the submitters: PubMed 10508506 (cited by Ambry Genetics and Labcorp Genetics (formerly Invitae), Labcorp); PubMed 15236168 (cited by Ambry Genetics); PubMed 16736289 (cited by Ambry Genetics and Labcorp Genetics (formerly Invitae), Labcorp); PubMed 26517685 (cited by Ambry Genetics and Labcorp Genetics (formerly Invitae), Labcorp); PubMed 18269114 (cited by Labcorp Genetics (formerly Invitae), Labcorp); PubMed 24362816 (cited by Labcorp Genetics (formerly Invitae), Labcorp).

NM_000179.3(MSH6):c.2191C>T (p.Gln731Ter)

Gene: MSH6 (mutS homolog 6; plus strand). Cytogenetic location: 2p16.3.
Variant type: single nucleotide variant.
Coding change: c.2191C>T on transcript NM_000179.3 (MANE Select); coding-DNA position 2191, C replaced by T.
Protein change: p.Gln731Ter; replaces glutamine 731 with a stop codon.
Molecular consequence: nonsense.
Genome position (GRCh38, 1-based): chr2:47,800,174, C>T. VCF-style: chr2-47800174-C-T. GRCh37 (hg19) VCF-style: chr2-48027313-C-T.
Other names: c.1801C>T, p.Gln601Ter (NM_001281492.2); c.1285C>T, p.Gln429Ter (NM_001281493.2, NM_001281494.2); short protein forms Q731*, Q601*, Q429*.
Identifiers: ClinVar variation 89261 (VCV000089261.16), dbSNP rs63751442, ClinGen allele CA009848.